The following is an entry in ClinVar:

ClinVar aggregate classification (germline): Uncertain significance (1 of 4 stars; one submission).

Submission:

GeneDx
Classification: Uncertain significance. Last evaluated: 2024-09-06. Review status: criteria provided, single submitter. Criteria: GeneDx Variant Classification Process June 2021. Collection method: clinical testing. Allele origin: germline. Affected: yes.
Comment: In silico analysis supports that this missense variant has a deleterious effect on protein structure/function; Has not been previously published as pathogenic or benign to our knowledge

NM_004187.5(KDM5C):c.586C>G (p.Pro196Ala)

Gene: KDM5C (lysine demethylase 5C; minus strand). Cytogenetic location: Xp11.22.
Variant type: single nucleotide variant.
Coding change: c.586C>G on transcript NM_004187.5 (MANE Select); coding-DNA position 586, C replaced by G.
Protein change: p.Pro196Ala; replaces proline 196 with alanine.
Molecular consequence: missense variant. On other transcripts: non-coding transcript variant (3).
Genome position (GRCh38, 1-based): chrX:53,217,214, G>C on the plus strand (C>G on the coding strand, the complement: KDM5C is on the minus strand). VCF-style: chrX-53217214-G-C. GRCh37 (hg19) VCF-style: chrX-53246396-G-C.
Other names: c.385C>G, p.Pro129Ala (NM_001146702.2); c.583C>G, p.Pro195Ala (NM_001282622.3, NM_001353979.2, NM_001353982.2); c.586C>G, p.Pro196Ala (NM_001353978.3, NM_001353981.2, NM_001353984.2); short protein forms P129A, P195A, P196A.
Identifiers: ClinVar variation 2429608 (VCV002429608.2), dbSNP rs1556852380, ClinGen allele CA413133804.